The following is an entry in ClinVar:

ClinVar aggregate classification (germline): Pathogenic. Review status: criteria provided, multiple submitters, no conflicts (2 of 4 stars). 3 submissions from 3 submitters: Pathogenic (2). 1 of the submissions does not count toward it. Last evaluated 2024-09-23.

Conditions:
Tuberous sclerosis 2 (TSC2). Identifiers: Orphanet 805, MedGen C1860707, MONDO:0013199, OMIM 613254.
Tuberous sclerosis syndrome (TSC). Also called: Tuberous Sclerosis Complex; Tuberous sclerosis. Identifiers: Orphanet 805, MedGen C0041341, MONDO:0001734.

Submissions (3):

All of Us Research Program, National Institutes of Health
Classification: Pathogenic for Tuberous sclerosis syndrome. Last evaluated: 2024-09-23. Review status: criteria provided, single submitter. Criteria: ACMG Guidelines, 2015. Collection method: clinical testing. Allele origin: germline. Inheritance: Autosomal dominant inheritance. Observed: 1 variant allele, 1 heterozygote.
Comment: The c.4662G>A (p.Gln1554=) variant in the TSC2 gene is a synonymous variant located at the last nucleotide of exon 36, which is part of the consensus splice site for this exon. This nucleotide substitution is predicted to affect normal splicing (SpliceAI donor loss score: 0.65 at the canonical donor splice site, and donor gain score: 0.5 at 23 nucleotides downstream). To our knowledge, functional studies demonstrating the impact of this variant on RNA splicing have not been reported for this variant. This variant has been reported in at least four individuals affected with tuberous sclerosis, with de novo occurrence reported in three individuals (ClinVar ID: 49485 (SCV001396837.5, SCV000066540.3); LOVD). This variant is absent in the general population according to gnomAD. Therefore, c.4662G>A (p.Gln1554=) variant in TSC2 gene is classified as pathogenic.

This study involves interpretation of variants in research participants for the purpose of population health screening. Participant phenotype was not available at the time of variant classification. Additional details can be found in publication PMID: 35346344, PMCID: PMC8962531

Labcorp Genetics (formerly Invitae), Labcorp
Classification: Pathogenic for Tuberous sclerosis 2. Last evaluated: 2019-07-18. Review status: criteria provided, single submitter. Criteria: Invitae Variant Classification Sherloc (09022015). Collection method: clinical testing. Allele origin: germline.
Comment: This sequence change affects codon 1554 of the TSC2 mRNA. It is a 'silent' change, meaning that it does not change the encoded amino acid sequence of the TSC2 protein. This variant also falls at the last nucleotide of exon 36 of the TSC2 coding sequence, which is part of the consensus splice site for this exon. This variant is not present in population databases (ExAC no frequency). ClinVar contains an entry for this variant (Variation ID: 49485). Nucleotide substitutions within the consensus splice site are a relatively common cause of aberrant splicing (PMID: 17576681, 9536098). Algorithms developed to predict the effect of sequence changes on RNA splicing suggest that this variant may disrupt the consensus splice site, but this prediction has not been confirmed by published transcriptional studies. For these reasons, this variant has been classified as Pathogenic.

Tuberous sclerosis database (TSC2)
No classification provided. Condition: TSC. Review status: no classification provided. Criteria: Tuberous Sclerosis Database Assertion Criteria 2015. Collection method: curation. Allele origin: germline. Affected: yes. Not counted in ClinVar's aggregate classification.

Literature cited by the submitters: PubMed 17576681 (cited by Labcorp Genetics (formerly Invitae), Labcorp); PubMed 9536098 (cited by Labcorp Genetics (formerly Invitae), Labcorp).

NM_000548.5(TSC2):c.4662G>A (p.Gln1554=)

Gene: TSC2 (TSC complex subunit 2; plus strand). Cytogenetic location: 16p13.3.
Variant type: single nucleotide variant.
Coding change: c.4662G>A on transcript NM_000548.5 (MANE Select); coding-DNA position 4662, G replaced by A.
Protein change: p.Gln1554=; no amino-acid change (glutamine 1554 retained).
Molecular consequence: synonymous variant.
Genome position (GRCh38, 1-based): chr16:2,085,322, G>A. VCF-style: chr16-2085322-G-A. GRCh37 (hg19) VCF-style: chr16-2135323-G-A.
Other names: c.4461G>A, p.Gln1487= (NM_001077183.3); c.4593G>A, p.Gln1531= (NM_001114382.3); c.4353G>A, p.Gln1451= (NM_001318827.2); c.4317G>A, p.Gln1439= (NM_001318829.2); c.3930G>A, p.Gln1310= (NM_001318831.2); c.4494G>A, p.Gln1498= (NM_001318832.2); c.4464G>A, p.Gln1488= (NM_001363528.2); c.4530G>A, p.Gln1510= (NM_001370404.1); and 1 more.
Identifiers: ClinVar variation 49485 (VCV000049485.10), dbSNP rs137854880, ClinGen allele CA020851.